The following is an entry in ClinVar:

ClinVar aggregate classification (germline): Uncertain significance. Review status: criteria provided, multiple submitters, no conflicts (2 of 4 stars). 2 submissions from 2 submitters: Uncertain significance (2). Last evaluated 2026-01-25.

Conditions:
Hereditary cancer-predisposing syndrome. Also called: Hereditary Cancer Syndrome; Neoplastic Syndromes, Hereditary; Hereditary neoplastic syndrome; Tumor predisposition. Identifiers: Orphanet 140162, MedGen C0027672, MeSH D009386, MONDO:0015356.
Cardiovascular phenotype. Identifiers: MedGen CN230736.
Neurofibromatosis, type 1 (NF1). Also called: Peripheral type neurofibromatosis; Neurofibromatosis, type I; NEUROFIBROMATOSIS, TYPE I, SOMATIC; VON RECKLINGHAUSEN DISEASE. Identifiers: Orphanet 636, MedGen C0027831, MONDO:0018975, OMIM 162200. Disease mechanism: loss of function.

Submissions (2):

Labcorp Genetics (formerly Invitae), Labcorp
Classification: Uncertain significance for Neurofibromatosis, type 1. Last evaluated: 2026-01-25. Review status: criteria provided, single submitter. Criteria: Invitae Variant Classification Sherloc (09022015). Collection method: clinical testing. Allele origin: germline.
Comment: This sequence change replaces serine, which is neutral and polar, with phenylalanine, which is neutral and non-polar, at codon 2770 of the NF1 protein (p.Ser2770Phe). This variant is not present in population databases (gnomAD no frequency). This variant has not been reported in the literature in individuals affected with NF1-related conditions. ClinVar contains an entry for this variant (Variation ID: 822284). Invitae Evidence Modeling of protein sequence and biophysical properties (such as structural, functional, and spatial information, amino acid conservation, physicochemical variation, residue mobility, and thermodynamic stability) indicates that this missense variant is not expected to disrupt NF1 protein function with a negative predictive value of 95%. In summary, the available evidence is currently insufficient to determine the role of this variant in disease. Therefore, it has been classified as a Variant of Uncertain Significance.

Ambry Genetics
Classification: Uncertain significance for Cardiovascular phenotype; Hereditary cancer-predisposing syndrome. Last evaluated: 2018-08-23. Review status: criteria provided, single submitter. Criteria: Ambry Variant Classification Scheme 2023. Collection method: clinical testing. Allele origin: germline.
Comment: The p.S2770F variant (also known as c.8309C>T), located in coding exon 56 of the NF1 gene, results from a C to T substitution at nucleotide position 8309. The serine at codon 2770 is replaced by phenylalanine, an amino acid with highly dissimilar properties. This amino acid position is highly conserved in available vertebrate species. In addition, this alteration is predicted to be tolerated by in silico analysis. Since supporting evidence is limited at this time, the clinical significance of this alteration remains unclear.

NM_001042492.3(NF1):c.8372C>T (p.Ser2791Phe)

Gene: NF1 (neurofibromin 1; plus strand). Cytogenetic location: 17q11.2.
Variant type: single nucleotide variant.
Coding change: c.8372C>T on transcript NM_001042492.3 (MANE Select); coding-DNA position 8372, C replaced by T.
Protein change: p.Ser2791Phe; replaces serine 2791 with phenylalanine.
Molecular consequence: missense variant.
Genome position (GRCh38, 1-based): chr17:31,360,698, C>T. VCF-style: chr17-31360698-C-T. GRCh37 (hg19) VCF-style: chr17-29687716-C-T.
Other names: c.8309C>T, p.Ser2770Phe (NM_000267.4); short protein forms S2791F, S2770F.
Identifiers: ClinVar variation 822284 (VCV000822284.7), dbSNP rs1597870350, ClinGen allele CA399205144.
Genomic context (GRCh38, chr17:31,360,698, plus strand): 5'-GTATCACTGCCAACCTTAACCTTTCTAATTCCATGACCTCACTTGCAACTTCCCAGCATT[C>T]CCCAGGTCAGTAAATGTGATCTTTATATGACTTTGAGCAACAATATAAGACACCAACATT-3'
Protein context (NP_001035957.1, residues 2781-2801): SMTSLATSQH[Ser2791Phe]PGIDKENVEL